The following is an entry in ClinVar:

ClinVar aggregate classification (germline): Uncertain significance (0 of 4 stars; one submission).

Conditions:
FGF12-related disorder. Also called: FGF12-related condition.

Submission:

PreventionGenetics, part of Exact Sciences
Classification: Uncertain significance for FGF12-related condition. Last evaluated: 2024-04-24. Review status: no assertion criteria provided. Collection method: clinical testing. Allele origin: germline.
Comment: The FGF12 c.362T>G variant is predicted to result in the amino acid substitution p.Val121Gly. To our knowledge, this variant has not been reported in the literature or in a large population database, indicating this variant is rare. At this time, the clinical significance of this variant is uncertain due to the absence of conclusive functional and genetic evidence.

NM_004113.6(FGF12):c.176T>G (p.Val59Gly)

Gene: FGF12 (fibroblast growth factor 12; minus strand). Cytogenetic location: 3q28.
Variant type: single nucleotide variant.
Coding change: c.176T>G on transcript NM_004113.6 (MANE Select); coding-DNA position 176, T replaced by G.
Protein change: p.Val59Gly; replaces valine 59 with glycine.
Molecular consequence: missense variant.
Genome position (GRCh38, 1-based): chr3:192,335,413, A>C on the plus strand (T>G on the coding strand, the complement: FGF12 is on the minus strand). VCF-style: chr3-192335413-A-C. GRCh37 (hg19) VCF-style: chr3-192053202-A-C.
Other names: c.65T>G, p.Val22Gly (NM_001377292.1); c.104T>G, p.Val35Gly (NM_001377293.1, NM_001377294.1); c.362T>G, p.Val121Gly (NM_021032.5); short protein forms V121G, V22G, V35G, V59G.
Identifiers: ClinVar variation 3349268 (VCV003349268.1).
Genomic context (GRCh38, chr3:192,335,413, plus strand): 5'-GTACTTACTGAACTGTAGAGATAGCCTTCACCATTCATGGCCACATAGAGGCTAGCCTTC[A>C]CTCCTTGGATGGCCACTACACGCAGGCCCACGGGAATTAGATTGAAGAGAGCTGGGGGGA-3'
Protein context (NP_004104.3, residues 49-69): VGLRVVAIQG[Val59Gly]KASLYVAMNG